The following is an entry in ClinVar:

NM_017950.4(CCDC40):c.2488G>A (p.Glu830Lys)

Gene: CCDC40 (coiled-coil domain 40 molecular ruler complex subunit; plus strand). Cytogenetic location: 17q25.3.
Variant type: single nucleotide variant.
Coding change: c.2488G>A on transcript NM_017950.4 (MANE Select); coding-DNA position 2488, G replaced by A.
Protein change: p.Glu830Lys; replaces glutamic acid 830 with lysine.
Molecular consequence: missense variant.
Genome position (GRCh38, 1-based): chr17:80,087,645, G>A. VCF-style: chr17-80087645-G-A. GRCh37 (hg19) VCF-style: chr17-78061444-G-A.
Other names: c.2488G>A, p.Glu830Lys (NM_001243342.2); short protein forms E830K.
Identifiers: ClinVar variation 2082027 (VCV002082027.4), dbSNP rs374928230, ClinGen allele CA8814224.

ClinVar aggregate classification (germline): Uncertain significance (1 of 4 stars; one submission).

Conditions:
Primary ciliary dyskinesia. Also called: Ciliary dyskinesia. Identifiers: Orphanet 244, MedGen C0008780, MONDO:0016575, HP:0012265.

Allele frequency attached by ClinVar (database versions not stated): ExAC 0.00001; gnomAD exomes 0.00001; gnomAD 0.00002; TOPMed 0.00002; ESP Exome Variant Server 0.00008.
gnomAD v4.1: 12 of 1,614,014 alleles (0.00074%); highest among the groups gnomAD compares: East Asian, 0.0022%; no homozygotes.

Submission:

Labcorp Genetics (formerly Invitae), Labcorp
Classification: Uncertain significance for Primary ciliary dyskinesia. Last evaluated: 2022-12-26. Review status: criteria provided, single submitter. Criteria: Invitae Variant Classification Sherloc (09022015). Collection method: clinical testing. Allele origin: germline.
Comment: This sequence change replaces glutamic acid, which is acidic and polar, with lysine, which is basic and polar, at codon 830 of the CCDC40 protein (p.Glu830Lys). This variant is present in population databases (rs374928230, gnomAD 0.006%). This variant has not been reported in the literature in individuals affected with CCDC40-related conditions. Advanced modeling of protein sequence and biophysical properties (such as structural, functional, and spatial information, amino acid conservation, physicochemical variation, residue mobility, and thermodynamic stability) performed at Invitae indicates that this missense variant is not expected to disrupt CCDC40 protein function. In summary, the available evidence is currently insufficient to determine the role of this variant in disease. Therefore, it has been classified as a Variant of Uncertain Significance.